The following is an entry in ClinVar:

ClinVar aggregate classification (germline): Pathogenic. Review status: criteria provided, multiple submitters, no conflicts (2 of 4 stars). 2 submissions from 2 submitters: Pathogenic (2). Last evaluated 2025-03-16.

Conditions:
COL11A1-related disorder. Also called: COL11A1-related condition; COL11A1-related disorders.

Submissions (2):

Labcorp Genetics (formerly Invitae), Labcorp
Classification: Pathogenic. Last evaluated: 2025-03-16. Review status: criteria provided, single submitter. Criteria: Invitae Variant Classification Sherloc (09022015). Collection method: clinical testing. Allele origin: germline.
Comment: This sequence change affects an acceptor splice site in intron 60 of the COL11A1 gene. It is expected to disrupt RNA splicing. Variants that disrupt the donor or acceptor splice site typically lead to a loss of protein function (PMID: 16199547), and loss-of-function variants in COL11A1 are known to be pathogenic (PMID: 20513134, 21035103, 23922384, 25240749, 32427345, 32756486). This variant is not present in population databases (gnomAD no frequency). Disruption of this splice site has been observed in individual(s) with clinical features of Stickler syndrome (PMID: 15286167). It has also been observed to segregate with disease in related individuals. This variant is also known as IVS60-2A>G. ClinVar contains an entry for this variant (Variation ID: 1438479). Algorithms developed to predict the effect of sequence changes on RNA splicing suggest that this variant may disrupt the consensus splice site. For these reasons, this variant has been classified as Pathogenic.

Blueprint Genetics
Classification: Pathogenic for COL11A1-related disorders. Last evaluated: 2019-05-08. Review status: criteria provided, single submitter. Criteria: ACMG Guidelines, 2015. Collection method: clinical testing. Allele origin: germline. Affected: yes. Observed: 1 variant allele.

Literature cited by the submitters: PubMed 16199547 (cited by Labcorp Genetics (formerly Invitae), Labcorp); PubMed 20513134 (cited by Labcorp Genetics (formerly Invitae), Labcorp); PubMed 21035103 (cited by Labcorp Genetics (formerly Invitae), Labcorp); PubMed 23922384 (cited by Labcorp Genetics (formerly Invitae), Labcorp); PubMed 25240749 (cited by Labcorp Genetics (formerly Invitae), Labcorp); PubMed 32427345 (cited by Labcorp Genetics (formerly Invitae), Labcorp); PubMed 32756486 (cited by Labcorp Genetics (formerly Invitae), Labcorp); PubMed 15286167 (cited by Labcorp Genetics (formerly Invitae), Labcorp).

NM_001854.4(COL11A1):c.4519-2A>G

Gene: COL11A1 (collagen type XI alpha 1 chain; minus strand). Cytogenetic location: 1p21.1.
Variant type: single nucleotide variant.
Coding change: c.4519-2A>G on transcript NM_001854.4 (MANE Select); the canonical splice acceptor site of the intron before coding-DNA position 4519, A replaced by G.
Molecular consequence: splice acceptor variant.
Genome position (GRCh38, 1-based): chr1:102,888,760, T>C on the plus strand (A>G on the coding strand, the complement: COL11A1 is on the minus strand). VCF-style: chr1-102888760-T-C. GRCh37 (hg19) VCF-style: chr1-103354316-T-C.
Other names: c.4402-2A>G (NM_001190709.2); c.4555-2A>G (NM_080629.3); c.4171-2A>G (NM_080630.4).
Identifiers: ClinVar variation 1438479 (VCV001438479.9), dbSNP rs2100852410, ClinGen allele CA341212458.